The following is an entry in ClinVar:

ClinVar aggregate classification (germline): Uncertain significance. Review status: criteria provided, multiple submitters, no conflicts (2 of 4 stars). 2 submissions from 2 submitters: Uncertain significance (2). Last evaluated 2024-11-06.

Conditions:
Familial cancer of breast. Also called: BREAST CANCER, FAMILIAL; hereditary breast carcinoma; Hereditary breast cancer. Identifiers: Orphanet 227535, MedGen C0346153, MONDO:0016419, OMIM 114480. Disease mechanism: loss of function.
Hereditary cancer-predisposing syndrome. Also called: Neoplastic Syndromes, Hereditary; Tumor predisposition; Hereditary Cancer Syndrome; Hereditary neoplastic syndrome. Identifiers: Orphanet 140162, MedGen C0027672, MeSH D009386, MONDO:0015356.

gnomAD v4.1: 2 of 1,613,680 alleles (0.00012%); highest among the groups gnomAD compares: Non-Finnish European, 0.00017%; no homozygotes.

Submissions (2):

Labcorp Genetics (formerly Invitae), Labcorp
Classification: Uncertain significance for Familial cancer of breast. Last evaluated: 2024-11-06. Review status: criteria provided, single submitter. Criteria: Invitae Variant Classification Sherloc (09022015). Collection method: clinical testing. Allele origin: germline.
Comment: This sequence change replaces serine, which is neutral and polar, with phenylalanine, which is neutral and non-polar, at codon 106 of the PALB2 protein (p.Ser106Phe). This variant is not present in population databases (gnomAD no frequency). This variant has not been reported in the literature in individuals affected with PALB2-related conditions. ClinVar contains an entry for this variant (Variation ID: 922654). An algorithm developed to predict the effect of missense changes on protein structure and function (PolyPhen-2) suggests that this variant is likely to be tolerated. In summary, the available evidence is currently insufficient to determine the role of this variant in disease. Therefore, it has been classified as a Variant of Uncertain Significance.

Color Diagnostics, LLC DBA Color Health
Classification: Uncertain significance for Hereditary cancer-predisposing syndrome. Last evaluated: 2023-12-05. Review status: criteria provided, single submitter. Criteria: ACMG Guidelines, 2015. Collection method: clinical testing. Allele origin: germline.
Comment: This missense variant replaces serine with phenylalanine at codon 106 of the PALB2 protein. Computational prediction suggests that this variant may not impact protein structure and function (internally defined REVEL score threshold <= 0.5, PMID: 27666373). To our knowledge, functional studies have not been reported for this variant. This variant has not been reported in individuals affected with PALB2-related disorders in the literature. This variant has not been identified in the general population by the Genome Aggregation Database (gnomAD). The available evidence is insufficient to determine the role of this variant in disease conclusively. Therefore, this variant is classified as a Variant of Uncertain Significance.

NM_024675.4(PALB2):c.317C>T (p.Ser106Phe)

Gene: PALB2 (partner and localizer of BRCA2; minus strand). Cytogenetic location: 16p12.2.
Variant type: single nucleotide variant.
Coding change: c.317C>T on transcript NM_024675.4 (MANE Select); coding-DNA position 317, C replaced by T.
Protein change: p.Ser106Phe; replaces serine 106 with phenylalanine.
Molecular consequence: missense variant.
Genome position (GRCh38, 1-based): chr16:23,636,229, G>A on the plus strand (C>T on the coding strand, the complement: PALB2 is on the minus strand). VCF-style: chr16-23636229-G-A. GRCh37 (hg19) VCF-style: chr16-23647550-G-A.
Other names: short protein forms S106F.
Identifiers: ClinVar variation 922654 (VCV000922654.6), dbSNP rs1484403594, ClinGen allele CA395138768.
Genomic context (GRCh38, chr16:23,636,229, plus strand): 5'-TCTTGGGTGTCATCTGTTCTTTGTATAGGTAATCCTCCTGGGCCATCTCCAGGGTTAAAG[G>A]ACTCAGGCCCAACATCAAGTGTGATAGATGTCTTTTCTCCAGTTTCTTCATCAAGATGGG-3'
Protein context (NP_078951.2, residues 96-116): TSITLDVGPE[Ser106Phe]FNPGDGPGGL